The following is an entry in ClinVar:

ClinVar aggregate classification (germline): Uncertain significance (1 of 4 stars; one submission).

Allele frequency attached by ClinVar (database versions not stated): gnomAD 0.00002; 1000 Genomes Project 30x 0.00016; 1000 Genomes Project 0.00020.

Submission:

Labcorp Genetics (formerly Invitae), Labcorp
Classification: Uncertain significance. Last evaluated: 2020-08-04. Review status: criteria provided, single submitter. Criteria: Invitae Variant Classification Sherloc (09022015). Collection method: clinical testing. Allele origin: germline.
Comment: In summary, the available evidence is currently insufficient to determine the role of this variant in disease. Therefore, it has been classified as a Variant of Uncertain Significance. Algorithms developed to predict the effect of missense changes on protein structure and function (SIFT, PolyPhen-2, Align-GVGD) all suggest that this variant is likely to be tolerated, but these predictions have not been confirmed by published functional studies and their clinical significance is uncertain. This variant has not been reported in the literature in individuals with SNRNP200-related conditions. This variant is present in population databases (rs554284886, ExAC 0.02%). This sequence change replaces histidine with asparagine at codon 715 of the SNRNP200 protein (p.His715Asn). The histidine residue is highly conserved and there is a small physicochemical difference between histidine and asparagine.

NM_014014.5(SNRNP200):c.2143C>A (p.His715Asn)

Gene: SNRNP200 (small nuclear ribonucleoprotein U5 subunit 200; minus strand). Cytogenetic location: 2q11.2.
Variant type: single nucleotide variant.
Coding change: c.2143C>A on transcript NM_014014.5 (MANE Select); coding-DNA position 2143, C replaced by A.
Protein change: p.His715Asn; replaces histidine 715 with asparagine.
Molecular consequence: missense variant.
Genome position (GRCh38, 1-based): chr2:96,292,989, G>T on the plus strand (C>A on the coding strand, the complement: SNRNP200 is on the minus strand). VCF-style: chr2-96292989-G-T. GRCh37 (hg19) VCF-style: chr2-96958727-G-T.
Other names: short protein forms H715N.
Identifiers: ClinVar variation 1053605 (VCV001053605.9), dbSNP rs554284886, ClinGen allele CA1778769.